The following is an entry in ClinVar:

ClinVar aggregate classification (germline): Uncertain significance (1 of 4 stars; one submission).

Conditions:
Oligodontia-cancer predisposition syndrome. Also called: TOOTH AGENESIS-COLORECTAL CANCER SYNDROME. Identifiers: Orphanet 300576, MedGen C1837750, MONDO:0012075, OMIM 608615. Disease mechanism: loss of function.

Submission:

Labcorp Genetics (formerly Invitae), Labcorp
Classification: Uncertain significance for Oligodontia-cancer predisposition syndrome. Last evaluated: 2024-03-06. Review status: criteria provided, single submitter. Criteria: Invitae Variant Classification Sherloc (09022015). Collection method: clinical testing. Allele origin: germline.
Comment: This sequence change replaces methionine, which is neutral and non-polar, with arginine, which is basic and polar, at codon 210 of the AXIN2 protein (p.Met210Arg). This variant is not present in population databases (gnomAD no frequency). This variant has not been reported in the literature in individuals affected with AXIN2-related conditions. Advanced modeling of protein sequence and biophysical properties (such as structural, functional, and spatial information, amino acid conservation, physicochemical variation, residue mobility, and thermodynamic stability) performed at Invitae indicates that this missense variant is not expected to disrupt AXIN2 protein function with a negative predictive value of 80%. In summary, the available evidence is currently insufficient to determine the role of this variant in disease. Therefore, it has been classified as a Variant of Uncertain Significance.

NM_004655.4(AXIN2):c.629T>G (p.Met210Arg)

Gene: AXIN2 (axin 2; minus strand). Cytogenetic location: 17q24.1.
Variant type: single nucleotide variant.
Coding change: c.629T>G on transcript NM_004655.4 (MANE Select); coding-DNA position 629, T replaced by G.
Protein change: p.Met210Arg; replaces methionine 210 with arginine.
Molecular consequence: missense variant.
Genome position (GRCh38, 1-based): chr17:65,557,992, A>C on the plus strand (T>G on the coding strand, the complement: AXIN2 is on the minus strand). VCF-style: chr17-65557992-A-C. GRCh37 (hg19) VCF-style: chr17-63554110-A-C.
Other names: c.629T>G, p.Met210Arg (NM_001363813.1); short protein forms M210R.
Identifiers: ClinVar variation 3644692 (VCV003644692.2).